The following is an entry in ClinVar:

ClinVar aggregate classification (germline): Uncertain significance. Review status: criteria provided, multiple submitters, no conflicts (2 of 4 stars). 2 submissions from 2 submitters: Uncertain significance (2). Last evaluated 2026-07-06.

Conditions:
Hereditary cancer-predisposing syndrome. Also called: Tumor predisposition; Hereditary Cancer Syndrome; Hereditary neoplastic syndrome; Neoplastic Syndromes, Hereditary. Identifiers: Orphanet 140162, MedGen C0027672, MeSH D009386, MONDO:0015356.
Familial adenomatous polyposis 1 (FAP1). Also called: POLYPOSIS, ADENOMATOUS INTESTINAL; FAMILIAL ADENOMATOUS POLYPOSIS 1, ATTENUATED. Identifiers: MedGen C2713442, MONDO:0021056, OMIM 175100. Disease mechanism: loss of function.

Submissions (2):

Ambry Genetics
Classification: Uncertain significance for Hereditary cancer-predisposing syndrome. Last evaluated: 2026-07-06. Review status: criteria provided, single submitter. Criteria: Ambry Variant Classification Scheme 2023. Collection method: clinical testing. Allele origin: germline.
Comment: The p.N1535D variant (also known as c.4603A>G), located in coding exon 15 of the APC gene, results from an A to G substitution at nucleotide position 4603. The asparagine at codon 1535 is replaced by aspartic acid, an amino acid with highly similar properties. This amino acid position is conserved. In addition, in silico predictors for this gene do not accurately predict pathogenicity. Based on the available evidence, the clinical significance of this variant remains unclear.

Labcorp Genetics (formerly Invitae), Labcorp
Classification: Uncertain significance for Familial adenomatous polyposis 1. Last evaluated: 2022-07-25. Review status: criteria provided, single submitter. Criteria: Invitae Variant Classification Sherloc (09022015). Collection method: clinical testing. Allele origin: germline.
Comment: In summary, the available evidence is currently insufficient to determine the role of this variant in disease. Therefore, it has been classified as a Variant of Uncertain Significance. Algorithms developed to predict the effect of missense changes on protein structure and function are either unavailable or do not agree on the potential impact of this missense change (SIFT: "Tolerated"; PolyPhen-2: "Possibly Damaging"; Align-GVGD: "Class C0"). ClinVar contains an entry for this variant (Variation ID: 1018248). This variant has not been reported in the literature in individuals affected with APC-related conditions. This variant is not present in population databases (gnomAD no frequency). This sequence change replaces asparagine, which is neutral and polar, with aspartic acid, which is acidic and polar, at codon 1535 of the APC protein (p.Asn1535Asp).

NM_000038.6(APC):c.4603A>G (p.Asn1535Asp)

Gene: APC (APC regulator of Wnt signaling pathway; plus strand). Cytogenetic location: 5q22.2.
Variant type: single nucleotide variant.
Coding change: c.4603A>G on transcript NM_000038.6 (MANE Select); coding-DNA position 4603, A replaced by G.
Protein change: p.Asn1535Asp; replaces asparagine 1535 with aspartic acid.
Molecular consequence: missense variant.
Genome position (GRCh38, 1-based): chr5:112,840,197, A>G. VCF-style: chr5-112840197-A-G. GRCh37 (hg19) VCF-style: chr5-112175894-A-G.
Other names: c.4603A>G, p.Asn1535Asp (NM_001127510.3, NM_001354895.2); c.4549A>G, p.Asn1517Asp (NM_001127511.3); c.4657A>G, p.Asn1553Asp (NM_001354896.2); c.4633A>G, p.Asn1545Asp (NM_001354897.2); c.4528A>G, p.Asn1510Asp (NM_001354898.2); c.4519A>G, p.Asn1507Asp (NM_001354899.2); c.4480A>G, p.Asn1494Asp (NM_001354900.2); c.4426A>G, p.Asn1476Asp (NM_001354901.2); and 6 more; short protein forms N1252D, N1375D, N1409D, N1434D, N1444D, N1476D, N1494D, N1507D.
Identifiers: ClinVar variation 1018248 (VCV001018248.11), dbSNP rs1765720202, ClinGen allele CA16031413.